The following is an entry in ClinVar:

NM_005918.4(MDH2):c.743C>G (p.Thr248Ser)

Gene: MDH2 (malate dehydrogenase 2; plus strand). Cytogenetic location: 7q11.23.
Variant type: single nucleotide variant.
Coding change: c.743C>G on transcript NM_005918.4 (MANE Select); coding-DNA position 743, C replaced by G.
Protein change: p.Thr248Ser; replaces threonine 248 with serine.
Molecular consequence: missense variant.
Genome position (GRCh38, 1-based): chr7:76,064,811, C>G. VCF-style: chr7-76064811-C-G. GRCh37 (hg19) VCF-style: chr7-75694129-C-G.
Other names: c.617C>G, p.Thr206Ser (NM_001282403.2); c.422C>G, p.Thr141Ser (NM_001282404.2); short protein forms T206S, T141S, T248S.
Identifiers: ClinVar variation 2447842 (VCV002447842.2), dbSNP rs1554587582, ClinGen allele CA367767932.
Genomic context (GRCh38, chr7:76,064,811, plus strand): 5'-GGGCGTCACGTTTGTGGCACCAGCCAGGCTGACCTGTCTGTGCCCCCCTAGGCTCTGCCA[C>G]CCTCTCCATGGCGTATGCCGGCGCCCGCTTTGTCTTCTCCCTTGTGGATGCAATGAATGG-3'
Protein context (NP_005909.2, residues 238-258): VKAKAGAGSA[Thr248Ser]LSMAYAGARF

ClinVar aggregate classification (germline): Uncertain significance (1 of 4 stars; one submission).

Conditions:
Inborn genetic diseases. Identifiers: MedGen C0950123, MeSH D030342.

Submission:

Ambry Genetics
Classification: Uncertain significance for Inborn genetic diseases. Last evaluated: 2023-02-15. Review status: criteria provided, single submitter. Criteria: Ambry Variant Classification Scheme 2023. Collection method: clinical testing. Allele origin: germline.
Comment: The p.T248S variant (also known as c.743C>G), located in coding exon 8 of the MDH2 gene, results from a C to G substitution at nucleotide position 743. The threonine at codon 248 is replaced by serine, an amino acid with similar properties. This amino acid position is conserved. In addition, the in silico prediction for this alteration is inconclusive. Since supporting evidence is limited at this time, the clinical significance of this alteration remains unclear.